The following is an entry in ClinVar:

ClinVar aggregate classification (germline): Likely benign (0 of 4 stars; one submission).

Conditions:
DOCK8-related disorder. Also called: DOCK8-related condition.

gnomAD v4.1: 27 of 1,612,732 alleles (0.0017%); highest among the groups gnomAD compares: Non-Finnish European, 0.0023%; no homozygotes.

Submission:

PreventionGenetics, part of Exact Sciences
Classification: Likely benign for DOCK8-related condition. Last evaluated: 2024-05-24. Review status: no assertion criteria provided. Collection method: clinical testing. Allele origin: germline.
Comment: This variant is classified as likely benign based on ACMG/AMP sequence variant interpretation guidelines (Richards et al. 2015 PMID: 25741868, with internal and published modifications).

NM_203447.4(DOCK8):c.4338+3G>A

Gene: DOCK8 (dedicator of cytokinesis 8; plus strand). Cytogenetic location: 9p24.3.
Variant type: single nucleotide variant.
Coding change: c.4338+3G>A on transcript NM_203447.4 (MANE Select); 3 bases into the intron after coding-DNA position 4338, G replaced by A.
Molecular consequence: intron variant.
Genome position (GRCh38, 1-based): chr9:426,984, G>A. VCF-style: chr9-426984-G-A. GRCh37 (hg19) VCF-style: chr9-426984-G-A.
Other names: c.4134+3G>A (NM_001193536.2); c.4038+3G>A (NM_001190458.2).
Identifiers: ClinVar variation 3350871 (VCV003350871.1).
Genomic context (GRCh38, chr9:426,984, plus strand): 5'-CAATCTGGCTACAGAAGCACATTTAATCATCCTGGATATGCAGGAAAACATTATCCAGGT[G>A]AGGAAAACAAACACCCAATCTGATTTGTTGGCCATGAATATGTTTACTAGAATAAGGACT-3'